The following is an entry in ClinVar:

ClinVar aggregate classification (germline): Pathogenic (1 of 4 stars; one submission).

Conditions:
Autosomal recessive limb-girdle muscular dystrophy type 2F (LGMDR6). Also called: Muscular dystrophy limb-girdle with delta-sarcoglyan deficiency; MUSCULAR DYSTROPHY, LIMB-GIRDLE, AUTOSOMAL RECESSIVE 6. Identifiers: Orphanet 219, MedGen C1832525, MONDO:0011028, OMIM 601287. Disease mechanism: Affects gamma-sarcoglycan and also disrupts the integrity of the entire sarcoglycan complex..

gnomAD v4.1: 1 of 1,605,564 alleles (0.000062%); no homozygotes.

Submission:

Labcorp Genetics (formerly Invitae), Labcorp
Classification: Pathogenic for Autosomal recessive limb-girdle muscular dystrophy type 2F. Last evaluated: 2024-06-25. Review status: criteria provided, single submitter. Criteria: Invitae Variant Classification Sherloc (09022015). Collection method: clinical testing. Allele origin: germline.
Comment: This sequence change creates a premature translational stop signal (p.Lys58*) in the SGCD gene. It is expected to result in an absent or disrupted protein product. Loss-of-function variants in SGCD are known to be pathogenic (PMID: 8841194, 10735275, 10838250). This variant is not present in population databases (gnomAD no frequency). This variant has not been reported in the literature in individuals affected with SGCD-related conditions. For these reasons, this variant has been classified as Pathogenic.

Literature cited by the submitters: PubMed 8841194; PubMed 10735275; PubMed 10838250.

NM_000337.6(SGCD):c.172A>T (p.Lys58Ter)

Gene: SGCD (sarcoglycan delta; plus strand). Cytogenetic location: 5q33.3.
Variant type: single nucleotide variant.
Coding change: c.172A>T on transcript NM_000337.6 (MANE Select); coding-DNA position 172, A replaced by T.
Protein change: p.Lys58Ter; replaces lysine 58 with a stop codon.
Molecular consequence: nonsense.
Genome position (GRCh38, 1-based): chr5:156,344,657, A>T. VCF-style: chr5-156344657-A-T. GRCh37 (hg19) VCF-style: chr5-155771667-A-T.
Other names: c.169A>T, p.Lys57Ter (NM_001128209.2); c.172A>T, p.Lys58Ter (NM_172244.3); short protein forms K58*, K57*.
Identifiers: ClinVar variation 3669608 (VCV003669608.2).